The following is an entry in ClinVar:

ClinVar aggregate classification (germline): Uncertain significance. Review status: criteria provided, multiple submitters, no conflicts (2 of 4 stars). 2 submissions from 2 submitters: Uncertain significance (2). Last evaluated 2024-12-13.

Conditions:
COL11A1-related disorder. Also called: COL11A1-related disorders; COL11A1-related condition.

Allele frequency attached by ClinVar (database versions not stated): gnomAD exomes below 0.00001 and 0.00002; gnomAD 0.00002; ExAC 0.00003; TOPMed 0.00005; ESP Exome Variant Server 0.00015.
gnomAD v4.1: 7 of 1,612,478 alleles (0.00043%); highest among the groups gnomAD compares: African/African-American, 0.008%; no homozygotes.

Submissions (2):

PreventionGenetics, part of Exact Sciences
Classification: Uncertain significance for COL11A1-related condition. Last evaluated: 2024-12-13. Review status: criteria provided, single submitter. Criteria: ACMG Guidelines, 2015. Collection method: clinical testing. Allele origin: germline.
Comment: The COL11A1 c.835G>C variant is predicted to result in the amino acid substitution p.Glu279Gln. To our knowledge, this variant has not been reported in the literature. This variant is reported in 0.036% of alleles in individuals of African descent in gnomAD. At this time, the clinical significance of this variant is uncertain due to the absence of conclusive functional and genetic evidence.

GeneDx
Classification: Uncertain significance. Last evaluated: 2024-09-27. Review status: criteria provided, single submitter. Criteria: GeneDx Variant Classification Process June 2021. Collection method: clinical testing. Allele origin: germline. Affected: yes.
Comment: In silico analysis indicates that this missense variant does not alter protein structure/function; Not located in the triple helical region, where the majority of pathogenic missense variants occur (HGMD; PMID: 25240749); Has not been previously published as pathogenic or benign to our knowledge; Reported using an alternate transcript of the gene; This variant is associated with the following publications: (PMID: 25240749)

NM_001854.4(COL11A1):c.898-285G>C

Gene: COL11A1 (collagen type XI alpha 1 chain; minus strand). Cytogenetic location: 1p21.1.
Variant type: single nucleotide variant.
Coding change: c.898-285G>C on transcript NM_001854.4 (MANE Select); 285 bases into the intron before coding-DNA position 898, G replaced by C.
Molecular consequence: intron variant. On other transcripts: missense variant (1).
Genome position (GRCh38, 1-based): chr1:103,025,898, C>G on the plus strand (G>C on the coding strand, the complement: COL11A1 is on the minus strand). VCF-style: chr1-103025898-C-G. GRCh37 (hg19) VCF-style: chr1-103491454-C-G.
Other names: c.835G>C (NM_080629.2); c.835G>C, p.Glu279Gln (NM_080629.3); c.781-285G>C (NM_001190709.2); c.897+318G>C (NM_080630.4); short protein forms E279Q.
Identifiers: ClinVar variation 1676931 (VCV001676931.5), dbSNP rs370745781, ClinGen allele CA975243.